The following is an entry in ClinVar:

ClinVar aggregate classification (germline): Uncertain significance (1 of 4 stars; one submission).

Conditions:
Combined oxidative phosphorylation deficiency 35 (COXPD35). Identifiers: MedGen C4693466, MONDO:0054742, OMIM 617873.

Submission:

Juno Genomics, Hangzhou Juno Genomics, Inc
Classification: Uncertain significance for Combined oxidative phosphorylation deficiency 35. Review status: criteria provided, single submitter. Criteria: ACMG Guidelines, 2015. Collection method: clinical testing. Allele origin: germline. Affected: yes.
Comment: Absent from controls (or at extremely low frequency if recessive) in Genome Aggregation Database, Exome Sequencing Project, 1000 Genomes Project, or Exome Aggregation Consortium.;Co-segregation with disease in multiple affected family members in a gene definitively known to cause the disease.;Patient's phenotype or family history is highly specific for a disease with a single genetic etiology.

NM_017646.6(TRIT1):c.674G>A (p.Cys225Tyr)

Gene: TRIT1 (tRNA isopentenyltransferase 1; minus strand). Cytogenetic location: 1p34.2.
Variant type: single nucleotide variant.
Coding change: c.674G>A on transcript NM_017646.6 (MANE Select); coding-DNA position 674, G replaced by A.
Protein change: p.Cys225Tyr; replaces cysteine 225 with tyrosine.
Molecular consequence: missense variant.
Genome position (GRCh38, 1-based): chr1:39,850,148, C>T on the plus strand (G>A on the coding strand, the complement: TRIT1 is on the minus strand). VCF-style: chr1-39850148-C-T. GRCh37 (hg19) VCF-style: chr1-40315820-C-T.
Other names: c.674G>A, p.Cys225Tyr (NM_001312691.2); c.434G>A, p.Cys145Tyr (NM_001312692.2); short protein forms C145Y, C225Y.
Identifiers: ClinVar variation 4796550 (VCV004796550.1).